The following is an entry in ClinVar:

ClinVar aggregate classification (germline): Pathogenic. Review status: criteria provided, multiple submitters, no conflicts (2 of 4 stars). 2 submissions from 2 submitters: Pathogenic (2). Last evaluated 2025-07-26.

Conditions:
Cardiovascular phenotype. Identifiers: MedGen CN230736.
Hereditary cancer-predisposing syndrome. Also called: Tumor predisposition; Neoplastic Syndromes, Hereditary; Hereditary neoplastic syndrome; Hereditary Cancer Syndrome. Identifiers: Orphanet 140162, MedGen C0027672, MeSH D009386, MONDO:0015356.

Submissions (2):

Ambry Genetics
Classification: Pathogenic for Cardiovascular phenotype; Hereditary cancer-predisposing syndrome. Last evaluated: 2025-07-26. Review status: criteria provided, single submitter. Criteria: Ambry Variant Classification Scheme 2023. Collection method: clinical testing. Allele origin: germline.
Comment: The p.E571* pathogenic mutation (also known as c.1711G>T), located in coding exon 15 of the LZTR1 gene, results from a G to T substitution at nucleotide position 1711. This changes the amino acid from a glutamic acid to a stop codon within coding exon 15. This variant is considered to be rare based on population cohorts in the Genome Aggregation Database (gnomAD). This alteration is expected to result in loss of function by premature protein truncation or nonsense-mediated mRNA decay. Loss-of-function variants in LZTR1 are related to an increased risk for schwannomas and autosomal recessive Noonan syndrome; however, such associations with autosomal dominant Noonan syndrome have not been observed (Piotrowski A et al. Nat Genet. 2014 Feb;46:182-7; Yamamoto GL et al. J Med Genet. 2015 Jun;52:413-21; Johnston JJ et al. Genet Med. 2018 10;20:1175-1185). Based on the supporting evidence, this variant is pathogenic for an increased risk of LZTR1-related schwannomatosis (SWN) and would be expected to cause autosomal recessive Noonan syndrome when present along with a second pathogenic or likely pathogenic variant on the other allele; however, the association of this alteration with autosomal dominant Noonan syndrome is unlikely.

Labcorp Genetics (formerly Invitae), Labcorp
Classification: Pathogenic. Last evaluated: 2025-02-05. Review status: criteria provided, single submitter. Criteria: Invitae Variant Classification Sherloc (09022015). Collection method: clinical testing. Allele origin: germline.
Comment: This sequence change creates a premature translational stop signal (p.Glu571*) in the LZTR1 gene. It is expected to result in an absent or disrupted protein product. Loss-of-function variants in LZTR1 are known to be pathogenic (PMID: 24362817, 25335493, 25480913, 25795793, 29469822, 30368668, 30442762, 30442766, 30481304, 30859559). This variant is not present in population databases (gnomAD no frequency). This variant has not been reported in the literature in individuals affected with LZTR1-related conditions. For these reasons, this variant has been classified as Pathogenic.

Literature cited by the submitters: PubMed 24362817 (cited by Labcorp Genetics (formerly Invitae), Labcorp); PubMed 25335493 (cited by Labcorp Genetics (formerly Invitae), Labcorp); PubMed 25480913 (cited by Labcorp Genetics (formerly Invitae), Labcorp); PubMed 25795793 (cited by Labcorp Genetics (formerly Invitae), Labcorp); PubMed 29469822 (cited by Labcorp Genetics (formerly Invitae), Labcorp); PubMed 30368668 (cited by Labcorp Genetics (formerly Invitae), Labcorp); PubMed 30442762 (cited by Labcorp Genetics (formerly Invitae), Labcorp); PubMed 30442766 (cited by Labcorp Genetics (formerly Invitae), Labcorp); PubMed 30481304 (cited by Labcorp Genetics (formerly Invitae), Labcorp); PubMed 30859559 (cited by Labcorp Genetics (formerly Invitae), Labcorp).

NM_006767.4(LZTR1):c.1711G>T (p.Glu571Ter)

Gene: LZTR1 (leucine zipper like post translational regulator 1; plus strand). Cytogenetic location: 22q11.21.
Variant type: single nucleotide variant.
Coding change: c.1711G>T on transcript NM_006767.4 (MANE Select); coding-DNA position 1711, G replaced by T.
Protein change: p.Glu571Ter; replaces glutamic acid 571 with a stop codon.
Molecular consequence: nonsense.
Genome position (GRCh38, 1-based): chr22:20,994,653, G>T. VCF-style: chr22-20994653-G-T. GRCh37 (hg19) VCF-style: chr22-21348942-G-T.
Other names: short protein forms E571*.
Identifiers: ClinVar variation 4101895 (VCV004101895.2).